The following is an entry in ClinVar:

ClinVar aggregate classification (germline): Benign. Review status: criteria provided, multiple submitters, no conflicts (2 of 4 stars). 9 submissions from 8 submitters: Benign (7). 2 of the submissions do not count toward it. Last evaluated 2026-02-03.

Conditions:
Hypertrophic osteoarthropathy, primary, autosomal recessive, 1 (PHOAR1). Also called: PHO, AUTOSOMAL RECESSIVE. Identifiers: Orphanet 1525, Orphanet 2796, MedGen C4551679, MONDO:0024546, OMIM 259100.
Isolated congenital digital clubbing. Also called: ACROPACHY, HEREDITARY; CLUBBING OF DIGITS. Identifiers: Orphanet 217059, MedGen C0345408, MONDO:0007343, OMIM 119900.

Allele frequency attached by ClinVar (database versions not stated): 1000 Genomes Project 30x 0.33635; 1000 Genomes Project 0.33926; TOPMed 0.35994; gnomAD 0.36843 and 0.37000; gnomAD exomes 0.38372 and 0.41137; ExAC 0.38615; ESP Exome Variant Server 0.37567.
gnomAD v4.1: 656,735 of 1,613,832 alleles (41%); highest among the groups gnomAD compares: Non-Finnish European, 43%; 135,588 homozygotes.

Submissions (9):

Labcorp Genetics (formerly Invitae), Labcorp
Classification: Benign. Last evaluated: 2026-02-03. Review status: criteria provided, single submitter. Criteria: Invitae Variant Classification Sherloc (09022015). Collection method: clinical testing. Allele origin: germline.

Blueprint Genetics
Classification: Benign. Last evaluated: 2024-11-26. Review status: criteria provided, single submitter. Criteria: ACMG Guidelines, 2015. Collection method: clinical testing. Allele origin: germline.

Genome-Nilou Lab
Classification: Benign for Hypertrophic osteoarthropathy, primary, autosomal recessive, 1. Last evaluated: 2021-08-10. Review status: criteria provided, single submitter. Criteria: ACMG Guidelines, 2015. Collection method: clinical testing. Allele origin: germline. Affected: no.

GeneDx
Classification: Benign. Last evaluated: 2018-11-12. Review status: criteria provided, single submitter. Criteria: GeneDx Variant Classification Process June 2021. Collection method: clinical testing. Allele origin: germline. Affected: yes.

Illumina Laboratory Services, Illumina
Classification: Benign for Hypertrophic osteoarthropathy, primary, autosomal recessive, 1. Last evaluated: 2018-01-13. Review status: criteria provided, single submitter. Criteria: ICSL Variant Classification Criteria 13 December 2019. Collection method: clinical testing. Allele origin: germline.
Comment: This variant was observed in the ICSL laboratory as part of a predisposition screen in an ostensibly healthy population. It had not been previously curated by ICSL or reported in the Human Gene Mutation Database (HGMD: prior to June 1st, 2018), and was therefore a candidate for classification through an automated scoring system. Utilizing variant allele frequency, disease prevalence and penetrance estimates, and inheritance mode, an automated score was calculated to assess if this variant is too frequent to cause the disease. Based on the score and internal cut-off values, a variant classified as benign is not then subjected to further curation. The score for this variant resulted in a classification of benign for this disease.

Illumina Laboratory Services, Illumina
Classification: Benign for Isolated congenital digital clubbing. Last evaluated: 2018-01-13. Review status: criteria provided, single submitter. Criteria: ICSL Variant Classification Criteria 13 December 2019. Collection method: clinical testing. Allele origin: germline.
Comment: the same text as in the submission from Illumina Laboratory Services, Illumina above.

Breakthrough Genomics
Classification: Benign. Review status: criteria provided, single submitter. Criteria: ACMG Guidelines, 2015. Collection method: not provided. Allele origin: germline. Inheritance: Autosomal recessive inheritance. Affected: yes.

Diagnostic Laboratory, Department of Genetics, University Medical Center Groningen
Classification: Benign. Review status: no assertion criteria provided. Collection method: clinical testing. Allele origin: germline. Affected: yes. Study: VKGL Data-share Consensus. Not counted in ClinVar's aggregate classification.

Joint Genome Diagnostic Labs from Nijmegen and Maastricht, Radboudumc and MUMC+
Classification: Benign. Review status: no assertion criteria provided. Collection method: clinical testing. Allele origin: germline. Affected: yes. Study: VKGL Data-share Consensus. Not counted in ClinVar's aggregate classification.

NM_000860.6(HPGD):c.156G>A (p.Gln52=)

Gene: HPGD (15-hydroxyprostaglandin dehydrogenase; minus strand). Cytogenetic location: 4q34.1.
Variant type: single nucleotide variant.
Coding change: c.156G>A on transcript NM_000860.6 (MANE Select); coding-DNA position 156, G replaced by A.
Protein change: p.Gln52=; no amino-acid change (glutamine 52 retained).
Molecular consequence: synonymous variant. On other transcripts: 5 prime UTR variant (2).
Genome position (GRCh38, 1-based): chr4:174,522,005, C>T on the plus strand (G>A on the coding strand, the complement: HPGD is on the minus strand). VCF-style: chr4-174522005-C-T. GRCh37 (hg19) VCF-style: chr4-175443156-C-T.
Other names: c.156G>A, p.Gln52= (NM_001145816.3, NM_001256305.2, NM_001256306.2 and 1 more transcripts); c.-208G>A (NM_001256301.1); c.-101G>A (NM_001256307.2).
Identifiers: ClinVar variation 348204 (VCV000348204.21), dbSNP rs1050145, ClinGen allele CA3142379.
Genomic context (GRCh38, chr4:174,522,005, plus strand): 5'-TCTCAGTTGTTGCTGGTCAGCCACATCGCACTGGATGAACAGAGTCTTCTGAGGTTCAAA[C>T]TGCTCATCCAGGGCAGCTTTACACTGTACACCTGCTTCAAGATTCCAATCCACCAGCGCT-3'
Protein context (NP_000851.2, residues 42-62): GVQCKAALDE[Gln52=]FEPQKTLFIQ